The following is an entry in ClinVar:

ClinVar aggregate classification (germline): Uncertain significance (1 of 4 stars; one submission).

Conditions:
SEMA3D-related disorder. Also called: SEMA3D-related condition.

Submission:

PreventionGenetics, part of Exact Sciences
Classification: Uncertain significance for SEMA3D-related condition. Last evaluated: 2026-06-09. Review status: criteria provided, single submitter. Criteria: ACMG Guidelines, 2015. Collection method: clinical testing. Allele origin: germline.
Comment: The SEMA3D c.1965delG variant is predicted to result in a frameshift and premature protein termination (p.Leu655Phefs*22). To our knowledge, this variant has not been reported in the literature. This variant is reported in 0.00088% of alleles in individuals of European (Non-Finnish) descent in gnomAD. At this time, the clinical significance of this variant is uncertain due to the absence of conclusive functional and genetic evidence.

NM_001384900.1(SEMA3D):c.1965del (p.Leu655fs)

Genes: SEMA3D (semaphorin 3D; minus strand), LOC126860094 (BRD4-independent group 4 enhancer GRCh37_chr7:84628763-84629962; plus strand). Cytogenetic location: 7q21.11.
Variant type: Deletion.
Coding change: c.1965del on transcript NM_001384900.1 (MANE Select); coding-DNA position 1965, one base deleted (G; older notation c.1965delG).
Protein change: p.Leu655fs; shifts the reading frame from leucine 655.
Molecular consequence: frameshift variant.
Genome position (GRCh38, 1-based): chr7:84,999,809, C deleted on the plus strand (G on the coding strand, the reverse complement: SEMA3D is on the minus strand). VCF-style (leftmost placement, unchanged base first): chr7-84999808-GC-G. GRCh37 (hg19) VCF-style: chr7-84629124-GC-G.
Other names: c.1965del, p.Leu655fs (NM_001384901.1, NM_001384902.1, NM_001384903.1 and 1 more transcripts); short protein forms L655fs.
Identifiers: ClinVar variation 4999955 (VCV004999955.1).